The following is an entry in ClinVar:

NM_000440.3(PDE6A):c.647A>G (p.Asn216Ser)

Gene: PDE6A (phosphodiesterase 6A; minus strand). Cytogenetic location: 5q32.
Variant type: single nucleotide variant.
Coding change: c.647A>G on transcript NM_000440.3 (MANE Select); coding-DNA position 647, A replaced by G.
Protein change: p.Asn216Ser; replaces asparagine 216 with serine.
Molecular consequence: missense variant.
Genome position (GRCh38, 1-based): chr5:149,934,000, T>C on the plus strand (A>G on the coding strand, the complement: PDE6A is on the minus strand). VCF-style: chr5-149934000-T-C. GRCh37 (hg19) VCF-style: chr5-149313563-T-C.
Other names: short protein forms N216S.
Identifiers: ClinVar variation 351997 (VCV000351997.18), dbSNP rs10057110, ClinGen allele CA3504993.

ClinVar aggregate classification (germline): Benign/Likely benign. Review status: criteria provided, multiple submitters, no conflicts (2 of 4 stars). 5 submissions from 5 submitters: Benign (2); Likely benign (3). Last evaluated 2026-02-02.

Conditions:
Retinitis pigmentosa (RP). Identifiers: Orphanet 791, MedGen C0035334, MeSH D012174, MONDO:0019200, OMIM 268000. Inheritance: Autosomal dominant, autosomal recessive and X linked inheritance.

Allele frequency attached by ClinVar (database versions not stated): gnomAD exomes 0.01008; ExAC 0.01328; gnomAD 0.03772 and 0.04068; ESP Exome Variant Server 0.04152; TOPMed 0.04277; 1000 Genomes Project 0.04293; 1000 Genomes Project 30x 0.04513.
gnomAD v4.1: 11,544 of 1,609,690 alleles (0.72%); highest among the groups gnomAD compares: African/African-American, 13%; 695 homozygotes.

Submissions (6):

Labcorp Genetics (formerly Invitae), Labcorp
Classification: Benign. Last evaluated: 2026-02-02. Review status: criteria provided, single submitter. Criteria: Invitae Variant Classification Sherloc (09022015). Collection method: clinical testing. Allele origin: germline.

Genomic Medicine Center of Excellence, King Faisal Specialist Hospital and Research Centre
Classification: Likely benign. Last evaluated: 2025-08-18. Review status: criteria provided, single submitter. Criteria: ACMG Guidelines, 2015. Collection method: clinical testing. Allele origin: germline.

Illumina Laboratory Services, Illumina
Classification: Likely benign for Retinitis pigmentosa. Last evaluated: 2017-04-27. Review status: criteria provided, single submitter. Criteria: ICSL Variant Classification Criteria 13 December 2019. Collection method: clinical testing. Allele origin: germline.
Comment: This variant was observed as part of a predisposition screen in an ostensibly healthy population. A literature search was performed for the gene, cDNA change, and amino acid change (where applicable). Publications were found based on this search. The evidence from the literature, in combination with allele frequency data from public databases where available, was sufficient to determine this variant is unlikely to cause disease. Therefore, this variant is classified as likely benign.

GeneDx
Classification: Benign. Last evaluated: 2015-03-03. Review status: criteria provided, single submitter. Criteria: GeneDx Variant Classification Process June 2021. Collection method: clinical testing. Allele origin: germline. Affected: yes.

Breakthrough Genomics
Classification: Likely benign. Review status: criteria provided, single submitter. Criteria: ACMG Guidelines, 2015. Collection method: not provided. Allele origin: germline. Inheritance: Unknown mechanism. Affected: yes.

Dr. Peter K. Rogan Lab, Western University
No classification provided (evidence only). Condition: Cervical cancer. Review status: no classification provided. Collection method: in vitro. Allele origin: not applicable. Functional consequence: retained intron. Not counted in ClinVar's aggregate classification.

Literature cited by the submitters: PubMed 10393062 (cited by Illumina Laboratory Services, Illumina); PubMed 18723146 (cited by Illumina Laboratory Services, Illumina).